The following is an entry in ClinVar:

ClinVar aggregate classification (germline): Uncertain significance (1 of 4 stars; one submission).

gnomAD v4.1: 21 of 1,614,054 alleles (0.0013%); highest among the groups gnomAD compares: South Asian, 0.019%; no homozygotes.

Submission:

Women's Health and Genetics/Laboratory Corporation of America, LabCorp
Classification: Uncertain significance. Last evaluated: 2025-10-27. Review status: criteria provided, single submitter. Criteria: LabCorp Variant Classification Summary - May 2015. Collection method: clinical testing. Allele origin: germline.
Comment: Variant summary: ARHGAP9 c.68G>A (p.Arg23Gln) results in a conservative amino acid change in the encoded protein sequence. Algorithms developed to predict the effect of missense changes on protein structure and function all suggest that this variant is likely to be tolerated. The variant allele was found at a frequency of 3.2e-05 in 250964 control chromosomes. The available data on variant occurrences in the general population are insufficient to allow any conclusion about variant significance. To our knowledge, no occurrence of c.68G>A in individuals affected with ARHGAP9-related conditions and no experimental evidence demonstrating its impact on protein function have been reported. No submitters have cited clinical-significance assessments for this variant to ClinVar. Based on the evidence outlined above, the variant was classified as uncertain significance.

NM_032496.4(ARHGAP9):c.68G>A (p.Arg23Gln)

Gene: ARHGAP9 (Rho GTPase activating protein 9; minus strand). Cytogenetic location: 12q13.3.
Variant type: single nucleotide variant.
Coding change: c.68G>A on transcript NM_032496.4 (MANE Select); coding-DNA position 68, G replaced by A.
Protein change: p.Arg23Gln; replaces arginine 23 with glutamine.
Molecular consequence: missense variant.
Genome position (GRCh38, 1-based): chr12:57,479,339, C>T on the plus strand (G>A on the coding strand, the complement: ARHGAP9 is on the minus strand). VCF-style: chr12-57479339-C-T. GRCh37 (hg19) VCF-style: chr12-57873122-C-T.
Other names: c.68G>A, p.Arg23Gln (NM_001080157.2, NM_001319850.2); short protein forms R23Q.
Identifiers: ClinVar variation 4687382 (VCV004687382.1).